The following is an entry in ClinVar:

NM_001122752.2(SERPINI1):c.899A>C (p.Glu300Ala)

Gene: SERPINI1 (serpin family I member 1; plus strand). Cytogenetic location: 3q26.1.
Variant type: single nucleotide variant.
Coding change: c.899A>C on transcript NM_001122752.2 (MANE Select); coding-DNA position 899, A replaced by C.
Protein change: p.Glu300Ala; replaces glutamic acid 300 with alanine.
Molecular consequence: missense variant.
Genome position (GRCh38, 1-based): chr3:167,807,261, A>C. VCF-style: chr3-167807261-A-C. GRCh37 (hg19) VCF-style: chr3-167525049-A-C.
Other names: c.899A>C, p.Glu300Ala (NM_005025.5); short protein forms E300A.
Identifiers: ClinVar variation 4737231 (VCV004737231.1).

ClinVar aggregate classification (germline): Uncertain significance (1 of 4 stars; one submission).

Conditions:
Familial encephalopathy with neuroserpin inclusion bodies. Also called: ENCEPHALOPATHY, FAMILIAL, WITH COLLINS BODIES. Identifiers: Orphanet 85110, MedGen C1858680, MONDO:0011412, OMIM 604218.

Submission:

Labcorp Genetics (formerly Invitae), Labcorp
Classification: Uncertain significance for Familial encephalopathy with neuroserpin inclusion bodies. Last evaluated: 2025-11-17. Review status: criteria provided, single submitter. Criteria: Invitae Variant Classification Sherloc (09022015). Collection method: clinical testing. Allele origin: germline.
Comment: This sequence change replaces glutamic acid, which is acidic and polar, with alanine, which is neutral and non-polar, at codon 300 of the SERPINI1 protein (p.Glu300Ala). This variant is not present in population databases (gnomAD no frequency). This variant has not been reported in the literature in individuals affected with SERPINI1-related conditions. Invitae Evidence Modeling of protein sequence and biophysical properties (such as structural, functional, and spatial information, amino acid conservation, physicochemical variation, residue mobility, and thermodynamic stability) indicates that this missense variant is not expected to disrupt SERPINI1 protein function with a negative predictive value of 80%. In summary, the available evidence is currently insufficient to determine the role of this variant in disease. Therefore, it has been classified as a Variant of Uncertain Significance.